The following is an entry in ClinVar:

ClinVar aggregate classification (germline): Likely benign (1 of 4 stars; one submission).

Allele frequency attached by ClinVar (database versions not stated): gnomAD 0.00281; TOPMed 0.00297; 1000 Genomes Project 0.00300; 1000 Genomes Project 30x 0.00312.
gnomAD v4.1: 423 of 152,170 alleles (0.28%); highest among the groups gnomAD compares: African/African-American, 0.97%; no homozygotes.

Submission:

GeneDx
Classification: Likely benign. Last evaluated: 2019-03-09. Review status: criteria provided, single submitter. Criteria: GeneDx Variant Classification Process June 2021. Collection method: clinical testing. Allele origin: germline. Affected: yes.
Comment: See Variant Classification Assertion Criteria.

NM_001113378.2(FANCI):c.756-248A>G

Gene: FANCI (FA complementation group I; plus strand). Cytogenetic location: 15q26.1.
Variant type: single nucleotide variant.
Coding change: c.756-248A>G on transcript NM_001113378.2 (MANE Select); 248 bases into the intron before coding-DNA position 756, A replaced by G.
Molecular consequence: intron variant.
Genome position (GRCh38, 1-based): chr15:89,268,151, A>G. VCF-style: chr15-89268151-A-G. GRCh37 (hg19) VCF-style: chr15-89811382-A-G.
Other names: c.756-248A>G (NM_018193.3, NM_001376911.1); c.477-248A>G (NM_001376910.1).
Identifiers: ClinVar variation 1804456 (VCV001804456.1), dbSNP rs116430478, ClinGen allele CA274547578.